The following is an entry in ClinVar:

ClinVar aggregate classification (germline): Likely benign. Review status: criteria provided, multiple submitters, no conflicts (2 of 4 stars). 3 submissions from 3 submitters: Likely benign (2). 1 of the submissions does not count toward it. Last evaluated 2026-01-26.

Conditions:
VDR-related disorder. Also called: VDR-related condition.

Allele frequency attached by ClinVar (database versions not stated): ExAC 0.00007; gnomAD 0.00009 and 0.00010; gnomAD exomes 0.00010; TOPMed 0.00011; ESP Exome Variant Server 0.00015; 1000 Genomes Project 30x 0.00016; 1000 Genomes Project 0.00020.
gnomAD v4.1: 111 of 1,614,144 alleles (0.0069%); highest among the groups gnomAD compares: Middle Eastern, 0.033%; no homozygotes.

Submissions (3):

Labcorp Genetics (formerly Invitae), Labcorp
Classification: Likely benign. Last evaluated: 2026-01-26. Review status: criteria provided, single submitter. Criteria: Invitae Variant Classification Sherloc (09022015). Collection method: clinical testing. Allele origin: germline.

Blueprint Genetics
Classification: Likely benign. Last evaluated: 2024-11-11. Review status: criteria provided, single submitter. Criteria: ACMG Guidelines, 2015. Collection method: clinical testing. Allele origin: germline.

PreventionGenetics, part of Exact Sciences
Classification: Likely benign for VDR-related condition. Last evaluated: 2019-03-04. Review status: no assertion criteria provided. Collection method: clinical testing. Allele origin: germline. Not counted in ClinVar's aggregate classification.
Comment: This variant is classified as likely benign based on ACMG/AMP sequence variant interpretation guidelines (Richards et al. 2015 PMID: 25741868, with internal and published modifications).

NM_000376.3(VDR):c.699G>A (p.Leu233=)

Gene: VDR (vitamin D receptor; minus strand). Cytogenetic location: 12q13.11.
Variant type: single nucleotide variant.
Coding change: c.699G>A on transcript NM_000376.3 (MANE Select); coding-DNA position 699, G replaced by A.
Protein change: p.Leu233=; no amino-acid change (leucine 233 retained).
Molecular consequence: synonymous variant.
Genome position (GRCh38, 1-based): chr12:47,855,686, C>T on the plus strand (G>A on the coding strand, the complement: VDR is on the minus strand). VCF-style: chr12-47855686-C-T. GRCh37 (hg19) VCF-style: chr12-48249469-C-T.
Other names: c.699G>A, p.Leu233= (NM_001017535.2, NM_001364085.2, NM_001374661.1 and 1 more transcripts); c.849G>A, p.Leu283= (NM_001017536.2); c.699G>A (NM_001017535.1).
Identifiers: ClinVar variation 1478218 (VCV001478218.9), dbSNP rs141863776, ClinGen allele CA6533874.